The following is an entry in ClinVar:

ClinVar aggregate classification (germline): Uncertain significance (1 of 4 stars; one submission).

Conditions:
Noonan syndrome 9 (NS9). Identifiers: Orphanet 648, MedGen C4225282, MONDO:0014691, OMIM 616559.

Submission:

Labcorp Genetics (formerly Invitae), Labcorp
Classification: Uncertain significance for Noonan syndrome 9. Last evaluated: 2024-10-04. Review status: criteria provided, single submitter. Criteria: Invitae Variant Classification Sherloc (09022015). Collection method: clinical testing. Allele origin: germline.
Comment: This sequence change falls in intron 13 of the SOS2 gene. It does not directly change the encoded amino acid sequence of the SOS2 protein. It affects a nucleotide within the consensus splice site. This variant is present in population databases (no rsID available, gnomAD 0.0009%). This variant has not been reported in the literature in individuals affected with SOS2-related conditions. Variants that disrupt the consensus splice site are a relatively common cause of aberrant splicing (PMID: 17576681, 9536098). Algorithms developed to predict the effect of sequence changes on RNA splicing suggest that this variant is not likely to affect RNA splicing. In summary, the available evidence is currently insufficient to determine the role of this variant in disease. Therefore, it has been classified as a Variant of Uncertain Significance.

Literature cited by the submitters: PubMed 17576681; PubMed 9536098.

NM_006939.4(SOS2):c.2161+5A>G

Gene: SOS2 (SOS Ras/Rho guanine nucleotide exchange factor 2; minus strand). Cytogenetic location: 14q21.3.
Variant type: single nucleotide variant.
Coding change: c.2161+5A>G on transcript NM_006939.4 (MANE Select); 5 bases into the intron after coding-DNA position 2161, A replaced by G.
Molecular consequence: intron variant.
Genome position (GRCh38, 1-based): chr14:50,153,065, T>C on the plus strand (A>G on the coding strand, the complement: SOS2 is on the minus strand). VCF-style: chr14-50153065-T-C. GRCh37 (hg19) VCF-style: chr14-50619783-T-C.
Other names: c.2062+5A>G (NM_001411020.1).
Identifiers: ClinVar variation 3649271 (VCV003649271.2).